The following is an entry in ClinVar:

NC_000017.10:g.(?_2577334)_(2579920_?)del

Gene: PAFAH1B1 (platelet activating factor acetylhydrolase 1b regulatory subunit 1; plus strand). Cytogenetic location: 17p13.3.
Variant type: Deletion.
Identifiers: ClinVar variation 3243122 (VCV003243122.1).

ClinVar aggregate classification (germline): Pathogenic (1 of 4 stars; one submission).

Submission:

Labcorp Genetics (formerly Invitae), Labcorp
Classification: Pathogenic. Last evaluated: 2023-09-10. Review status: criteria provided, single submitter. Criteria: Invitae Variant Classification Sherloc (09022015). Collection method: clinical testing. Allele origin: unknown.
Comment: This variant is a gross deletion of the genomic region encompassing exon(s) 8-9 of the PAFAH1B1 gene. This deletion is out-of-frame, and is expected to create a premature termination codon and result in an absent or disrupted protein product. Loss-of-function variants in PAFAH1B1 are known to be pathogenic (PMID: 1671808, 11115846, 14581661). A similar copy number variant has been observed in individual(s) with lissencephaly (PMID: 18285425, 26494205). For these reasons, this variant has been classified as Pathogenic.

Literature cited by the submitters: PubMed 1671808; PubMed 11115846; PubMed 14581661; PubMed 18285425; PubMed 26494205.